The following is an entry in ClinVar:

NM_025077.4(TOE1):c.1439G>A (p.Gly480Asp)

Gene: TOE1 (target of EGR1, exonuclease; plus strand). Cytogenetic location: 1p34.1.
Variant type: single nucleotide variant.
Coding change: c.1439G>A on transcript NM_025077.4 (MANE Select); coding-DNA position 1439, G replaced by A.
Protein change: p.Gly480Asp; replaces glycine 480 with aspartic acid.
Molecular consequence: missense variant.
Genome position (GRCh38, 1-based): chr1:45,343,608, G>A. VCF-style: chr1-45343608-G-A. GRCh37 (hg19) VCF-style: chr1-45809280-G-A.
Other names: short protein forms G480D.
Identifiers: ClinVar variation 1028868 (VCV001028868.8), dbSNP rs1442140372, ClinGen allele CA340142118.

ClinVar aggregate classification (germline): Uncertain significance. Review status: criteria provided, multiple submitters, no conflicts (2 of 4 stars). 2 submissions from 2 submitters: Uncertain significance (2). Last evaluated 2022-07-29.

Conditions:
Pontocerebellar hypoplasia type 7. Identifiers: Orphanet 284339, MedGen C3554226, MONDO:0013993, OMIM 614969.

Allele frequency attached by ClinVar (database versions not stated): gnomAD exomes below 0.00001; TOPMed below 0.00001.
gnomAD v4.1: 1 of 1,614,072 alleles (0.000062%); highest among the groups gnomAD compares: Admixed American, 0.0017%; no homozygotes.

Submissions (2):

Labcorp Genetics (formerly Invitae), Labcorp
Classification: Uncertain significance. Last evaluated: 2022-07-29. Review status: criteria provided, single submitter. Criteria: Invitae Variant Classification Sherloc (09022015). Collection method: clinical testing. Allele origin: germline.
Comment: ClinVar contains an entry for this variant (Variation ID: 1028868). This variant has not been reported in the literature in individuals affected with TOE1-related conditions. This variant is present in population databases (no rsID available, gnomAD 0.003%). This sequence change replaces glycine, which is neutral and non-polar, with aspartic acid, which is acidic and polar, at codon 480 of the TOE1 protein (p.Gly480Asp). Algorithms developed to predict the effect of missense changes on protein structure and function are either unavailable or do not agree on the potential impact of this missense change (SIFT: "Deleterious"; PolyPhen-2: "Probably Damaging"; Align-GVGD: "Class C15"). In summary, the available evidence is currently insufficient to determine the role of this variant in disease. Therefore, it has been classified as a Variant of Uncertain Significance.

Baylor Genetics
Classification: Uncertain significance for Pontocerebellar hypoplasia type 7. Last evaluated: 2019-01-02. Review status: criteria provided, single submitter. Criteria: ACMG Guidelines, 2015. Collection method: clinical testing. Allele origin: paternal. Affected: yes.
Comment: This variant was determined to be of uncertain significance according to ACMG Guidelines, 2015 [PMID:25741868].